The following is an entry in ClinVar:

ClinVar aggregate classification (germline): Conflicting classifications of pathogenicity. Review status: criteria provided, conflicting classifications (1 of 4 stars). 5 submissions from 5 submitters: Uncertain significance (3); Benign (1). 1 of the submissions does not count toward it. Last evaluated 2026-01-28.

Conditions:
POLD1-related polyposis and colorectal cancer syndrome (CRCS10). Also called: Colorectal cancer, susceptibility to, 10; Colorectal cancer 10; COLORECTAL CANCER, SUSCEPTIBILITY TO, ON CHROMOSOME 19q. Identifiers: Orphanet 220460, MedGen C2675481, MONDO:0012953, OMIM 612591.
Immunodeficiency 120. Identifiers: MedGen C5935622, MONDO:0970994, OMIM 620836.
Mandibular hypoplasia-deafness-progeroid syndrome. Also called: Mandibular hypoplasia, deafness, progeroid features, and lipodystrophy syndrome. Identifiers: Orphanet 363649, MedGen C3715192, MONDO:0014157, OMIM 615381.
Hereditary cancer-predisposing syndrome. Also called: Neoplastic Syndromes, Hereditary; Hereditary neoplastic syndrome; Hereditary Cancer Syndrome; Tumor predisposition. Identifiers: Orphanet 140162, MedGen C0027672, MeSH D009386, MONDO:0015356.

Submissions (5):

Labcorp Genetics (formerly Invitae), Labcorp
Classification: Uncertain significance for POLD1-related polyposis and colorectal cancer syndrome. Last evaluated: 2026-01-28. Review status: criteria provided, single submitter. Criteria: Invitae Variant Classification Sherloc (09022015). Collection method: clinical testing. Allele origin: germline.
Comment: This variant, c.2446_2448del, results in the deletion of 1 amino acid(s) of the POLD1 protein (p.Ser816del), but otherwise preserves the integrity of the reading frame. This variant is present in population databases (rs763850764, gnomAD 0.05%), and has an allele count higher than expected for a pathogenic variant. This variant has not been reported in the literature in individuals affected with POLD1-related conditions. ClinVar contains an entry for this variant (Variation ID: 407984). Experimental studies and prediction algorithms are not available or were not evaluated, and the functional significance of this variant is currently unknown. In summary, the available evidence is currently insufficient to determine the role of this variant in disease. Therefore, it has been classified as a Variant of Uncertain Significance.

GeneDx
Classification: Uncertain significance. Last evaluated: 2024-08-26. Review status: criteria provided, single submitter. Criteria: GeneDx Variant Classification Process June 2021. Collection method: clinical testing. Allele origin: germline. Affected: yes.
Comment: In-frame deletion of one amino acid in a non-repeat region; In silico analysis supports that this variant does not alter protein structure/function; Has not been previously published as pathogenic or benign to our knowledge; This variant is associated with the following publications: (PMID: 29056344, 20951805)

Fulgent Genetics
Classification: Uncertain significance for POLD1-related polyposis and colorectal cancer syndrome; Mandibular hypoplasia-deafness-progeroid syndrome; Immunodeficiency 120. Last evaluated: 2024-04-17. Review status: criteria provided, single submitter. Criteria: ACMG Guidelines, 2015. Collection method: clinical testing. Allele origin: germline.

Ambry Genetics
Classification: Benign for Hereditary cancer-predisposing syndrome. Last evaluated: 2024-03-07. Review status: criteria provided, single submitter. Criteria: Ambry Variant Classification Scheme 2023. Collection method: clinical testing. Allele origin: germline.

Counsyl
Classification: Uncertain significance for POLD1-related polyposis and colorectal cancer syndrome. Last evaluated: 2017-05-08. Review status: no assertion criteria provided. Collection method: clinical testing. Allele origin: unknown. Not counted in ClinVar's aggregate classification.

NM_002691.4(POLD1):c.2443TCC[1] (p.Ser816del)

Gene: POLD1 (DNA polymerase delta 1, catalytic subunit; plus strand). Cytogenetic location: 19q13.33.
Variant type: Microsatellite.
Coding change: c.2443TCC[1] on transcript NM_002691.4 (MANE Select); one copy of the 3-base unit TCC starting at c.2443; the reference has two copies in a row; one copy, 3 bases deleted; also written c.2446_2448del.
Protein change: p.Ser816del; deletes serine 816.
Molecular consequence: inframe deletion. On other transcripts: non-coding transcript variant (1).
Genome position (GRCh38, 1-based): chr19:50,414,872-50,414,874, TCC deleted; deleting any 3 consecutive bases within chr19:50,414,868-50,414,874 gives the same sequence; the position shown is the placement nearest the transcript's 3' end. VCF-style (leftmost placement, unchanged base first): chr19-50414867-TCTC-T. GRCh37 (hg19) VCF-style: chr19-50918124-TCTC-T.
Other names: c.2446_2448del (NM_002691.3, NM_002691.4); c.2443TCC[1], p.Ser816del (NM_001256849.1); c.2521TCC[1], p.Ser842del (NM_001308632.1); c.2446_2448delTCC (NM_001256849.1); short protein forms S842del, S816del.
Identifiers: ClinVar variation 407984 (VCV000407984.19), dbSNP rs763850764, ClinGen allele CA9596525.